The following is an entry in ClinVar:

NM_021146.4(ANGPTL7):c.69A>T (p.Pro23=)

Genes: ANGPTL7 (angiopoietin like 7; plus strand), MTOR (mechanistic target of rapamycin kinase; minus strand). Cytogenetic location: 1p36.22.
Variant type: single nucleotide variant.
Coding change: c.69A>T on transcript NM_021146.4 (MANE Select); coding-DNA position 69, A replaced by T.
Protein change: p.Pro23=; no amino-acid change (proline 23 retained).
Molecular consequence: synonymous variant. On other transcripts: intron variant (3).
Genome position (GRCh38, 1-based): chr1:11,189,648, A>T. VCF-style: chr1-11189648-A-T. GRCh37 (hg19) VCF-style: chr1-11249705-A-T.
Other names: c.3005+9610T>A (NM_001386501.1); c.4253+9610T>A (NM_004958.4, NM_001386500.1).
Identifiers: ClinVar variation 4681515 (VCV004681515.5).

ClinVar aggregate classification (germline): Likely benign (1 of 4 stars; one submission).

Submission:

CeGaT Center for Human Genetics Tuebingen
Classification: Likely benign. Last evaluated: 2025-12-01. Review status: criteria provided, single submitter. Criteria: CeGaT Center For Human Genetics Tuebingen Variant Classification Criteria Version 2. Collection method: clinical testing. Allele origin: germline. Affected: yes. Observed: 1 variant allele.
Comment: ANGPTL7: PM2:Supporting, BP4, BP7